The following is an entry in ClinVar:

ClinVar aggregate classification (germline): Uncertain significance (1 of 4 stars; one submission).

Submission:

Labcorp Genetics (formerly Invitae), Labcorp
Classification: Uncertain significance. Last evaluated: 2023-07-25. Review status: criteria provided, single submitter. Criteria: Invitae Variant Classification Sherloc (09022015). Collection method: clinical testing. Allele origin: unknown.
Comment: In summary, the available evidence is currently insufficient to determine the role of this variant in disease. Therefore, it has been classified as a Variant of Uncertain Significance. This variant has not been reported in the literature in individuals affected with TNFAIP3-related conditions. This variant results in a copy number gain of the genomic region encompassing exon(s) 3-9 of the TNFAIP3 gene. This region includes the termination codon of the gene. This copy number gain extends beyond the assayed region for this gene and therefore may encompass additional genes. As the precise location of this event is unknown, it may be in tandem or it may be located elsewhere in the genome.

NC_000006.11:g.(?_138195723)_(138202456_?)dup

Gene: TNFAIP3 (TNF alpha induced protein 3; plus strand). Cytogenetic location: 6q23.3.
Variant type: Duplication.
Identifiers: ClinVar variation 3246198 (VCV003246198.1).